The following is an entry in ClinVar:

NM_194279.4(ISCA2):c.429C>G (p.Gly143=)

Gene: ISCA2 (iron-sulfur cluster assembly 2; plus strand). Cytogenetic location: 14q24.3.
Variant type: single nucleotide variant.
Coding change: c.429C>G on transcript NM_194279.4 (MANE Select); coding-DNA position 429, C replaced by G.
Protein change: p.Gly143=; no amino-acid change (glycine 143 retained).
Molecular consequence: synonymous variant. On other transcripts: 3 prime UTR variant (1).
Genome position (GRCh38, 1-based): chr14:74,494,964, C>G. VCF-style: chr14-74494964-C-G. GRCh37 (hg19) VCF-style: chr14-74961667-C-G.
Other names: c.*130C>G (NM_001272007.2).
Identifiers: ClinVar variation 511287 (VCV000511287.1), dbSNP rs925358173, ClinGen allele CA487154853.
Genomic context (GRCh38, chr14:74,494,964, plus strand): 5'-CAGCCAAGAACTGATCCGAAGCTCATTTCAAGTGTTGAACAATCCTCAAGCACAGCAAGG[C>G]TGCTCCTGTGGGTCATCTTTCTCTATCAAACTTTGATGTGATGACTGGTGACTCTGGGAT-3'
Protein context (NP_919255.2, residues 133-153): QVLNNPQAQQ[Gly143=]CSCGSSFSIK

ClinVar aggregate classification (germline): Likely benign (1 of 4 stars; one submission).

Allele frequency attached by ClinVar (database versions not stated): gnomAD exomes 0.00001.
gnomAD v4.1: 4 of 1,613,368 alleles (0.00025%); highest among the groups gnomAD compares: Non-Finnish European, 0.00025%; no homozygotes.

Submission:

GeneDx
Classification: Likely benign. Last evaluated: 2017-08-17. Review status: criteria provided, single submitter. Criteria: GeneDx Variant Classification (06012015). Collection method: clinical testing. Allele origin: germline. Affected: yes.
Comment: This variant is considered likely benign or benign based on one or more of the following criteria: it is a conservative change, it occurs at a poorly conserved position in the protein, it is predicted to be benign by multiple in silico algorithms, and/or has population frequency not consistent with disease.